The following is an entry in ClinVar:

ClinVar aggregate classification (germline): Uncertain significance. Review status: criteria provided, multiple submitters, no conflicts (2 of 4 stars). 2 submissions from 2 submitters: Uncertain significance (2). Last evaluated 2026-06-04.

Conditions:
MYO5B-related disorder. Also called: MYO5B-related condition.

Allele frequency attached by ClinVar (database versions not stated): gnomAD 0.00001; TOPMed 0.00003; ExAC 0.00004; gnomAD exomes 0.00005.
gnomAD v4.1: 73 of 1,613,918 alleles (0.0045%); highest among the groups gnomAD compares: Middle Eastern, 0.016%; no homozygotes.

Submissions (2):

PreventionGenetics, part of Exact Sciences
Classification: Uncertain significance for MYO5B-related condition. Last evaluated: 2026-06-04. Review status: criteria provided, single submitter. Criteria: ACMG Guidelines, 2015. Collection method: clinical testing. Allele origin: germline.
Comment: The MYO5B c.1637C>T variant is predicted to result in the amino acid substitution p.Thr546Met. To our knowledge, this variant has not been reported in the literature. This variant is reported in 0.0098% of alleles in individuals of South Asian descent in gnomAD. At this time, the clinical significance of this variant is uncertain due to the absence of conclusive functional and genetic evidence.

Labcorp Genetics (formerly Invitae), Labcorp
Classification: Uncertain significance. Last evaluated: 2024-01-19. Review status: criteria provided, single submitter. Criteria: Invitae Variant Classification Sherloc (09022015). Collection method: clinical testing. Allele origin: germline.
Comment: This sequence change replaces threonine, which is neutral and polar, with methionine, which is neutral and non-polar, at codon 546 of the MYO5B protein (p.Thr546Met). This variant is present in population databases (rs201372185, gnomAD 0.01%). This variant has not been reported in the literature in individuals affected with MYO5B-related conditions. ClinVar contains an entry for this variant (Variation ID: 2179700). Advanced modeling of protein sequence and biophysical properties (such as structural, functional, and spatial information, amino acid conservation, physicochemical variation, residue mobility, and thermodynamic stability) performed at Invitae indicates that this missense variant is not expected to disrupt MYO5B protein function with a negative predictive value of 80%. In summary, the available evidence is currently insufficient to determine the role of this variant in disease. Therefore, it has been classified as a Variant of Uncertain Significance.

NM_001080467.3(MYO5B):c.1637C>T (p.Thr546Met)

Gene: MYO5B (myosin VB; minus strand). Cytogenetic location: 18q21.1.
Variant type: single nucleotide variant.
Coding change: c.1637C>T on transcript NM_001080467.3 (MANE Select); coding-DNA position 1637, C replaced by T.
Protein change: p.Thr546Met; replaces threonine 546 with methionine.
Molecular consequence: missense variant.
Genome position (GRCh38, 1-based): chr18:49,954,344, G>A on the plus strand (C>T on the coding strand, the complement: MYO5B is on the minus strand). VCF-style: chr18-49954344-G-A. GRCh37 (hg19) VCF-style: chr18-47480714-G-A.
Other names: c.1637C>T (NM_001080467.2); short protein forms T546M.
Identifiers: ClinVar variation 2179700 (VCV002179700.3), dbSNP rs201372185, ClinGen allele CA8961452.